The following is an entry in ClinVar:

NM_004415.4(DSP):c.1419+2T>G

Gene: DSP (desmoplakin; plus strand). Cytogenetic location: 6p24.3.
Variant type: single nucleotide variant.
Coding change: c.1419+2T>G on transcript NM_004415.4 (MANE Select); the canonical splice donor site of the intron after coding-DNA position 1419, T replaced by G.
Molecular consequence: splice donor variant. On other transcripts: missense variant (1).
Genome position (GRCh38, 1-based): chr6:7,568,591, T>G. VCF-style: chr6-7568591-T-G. GRCh37 (hg19) VCF-style: chr6-7568824-T-G.
Other names: c.1421T>G, p.Val474Gly (NM_001406591.1); c.1419+2T>G (NM_001319034.2, NM_001008844.3); short protein forms V474G.
Identifiers: ClinVar variation 4785169 (VCV004785169.1).
Genomic context (GRCh38, chr6:7,568,591, plus strand): 5'-ACTACAGAAGCAATAAACCCATTATTCTCAGAGCTCTCTGTGACTACAAACAAGATCAGG[T>G]GTGTACTCATTTAGAATGATACAAAAGTTTTCCCTGTCTTTACACACAAATTTTTGTCCA-3'

ClinVar aggregate classification (germline): Likely pathogenic (1 of 4 stars; one submission).

Conditions:
Arrhythmogenic cardiomyopathy with wooly hair and keratoderma. Also called: Carvajal syndrome; PALMOPLANTAR KERATODERMA WITH LEFT VENTRICULAR CARDIOMYOPATHY AND WOOLLY HAIR; Dilated cardiomyopathy with woolly hair and keratoderma; Arrhythmogenic cardiomyopathy with woolly hair and keratoderma. Identifiers: Orphanet 65282, MedGen C1854063, MONDO:0011581, OMIM 605676.
Arrhythmogenic right ventricular dysplasia 8 (ARVD8). Also called: Arrhythmogenic Right Ventricular Dysplasia/Cardiomyopathy 8; ARRHYTHMOGENIC RIGHT VENTRICULAR DYSPLASIA, FAMILIAL, 8; ARRHYTHMOGENIC RIGHT VENTRICULAR CARDIOMYOPATHY 8. Identifiers: MedGen C1843896, MONDO:0011831, OMIM 607450.

Submission:

Labcorp Genetics (formerly Invitae), Labcorp
Classification: Likely pathogenic for Arrhythmogenic cardiomyopathy with wooly hair and keratoderma; Arrhythmogenic right ventricular dysplasia 8. Last evaluated: 2025-06-03. Review status: criteria provided, single submitter. Criteria: Invitae Variant Classification Sherloc (09022015). Collection method: clinical testing. Allele origin: germline.
Comment: This sequence change affects a donor splice site in intron 11 of the DSP gene. It is expected to disrupt RNA splicing. Variants that disrupt the donor or acceptor splice site typically lead to a loss of protein function (PMID: 16199547), and loss-of-function variants in DSP are known to be pathogenic (PMID: 20716751, 24503780, 25227139). This variant is not present in population databases (gnomAD no frequency). This variant has not been reported in the literature in individuals affected with DSP-related conditions. Algorithms developed to predict the effect of sequence changes on RNA splicing suggest that this variant may disrupt the consensus splice site. In summary, the currently available evidence indicates that the variant is pathogenic, but additional data are needed to prove that conclusively. Therefore, this variant has been classified as Likely Pathogenic.

Literature cited by the submitters: PubMed 16199547; PubMed 20716751; PubMed 24503780; PubMed 25227139.